The following is an entry in ClinVar:

NM_001276345.2(TNNT2):c.720-4G>T

Gene: TNNT2 (troponin T2, cardiac type; minus strand). Cytogenetic location: 1q32.1.
Variant type: single nucleotide variant.
Coding change: c.720-4G>T on transcript NM_001276345.2 (MANE Select); 4 bases into the intron before coding-DNA position 720, G replaced by T.
Molecular consequence: intron variant.
Genome position (GRCh38, 1-based): chr1:201,361,373, C>A on the plus strand (G>T on the coding strand, the complement: TNNT2 is on the minus strand). VCF-style: chr1-201361373-C-A. GRCh37 (hg19) VCF-style: chr1-201330501-C-A.
Other names: c.672-4G>T (NM_001001432.3); c.681-4G>T (NM_001001431.3); c.690-4G>T (NM_001001430.3, NM_001276347.2); c.591-4G>T (NM_001276346.2); c.711-4G>T (NM_000364.4).
Identifiers: ClinVar variation 43664 (VCV000043664.53), dbSNP rs201753429, ClinGen allele CA090097.

ClinVar aggregate classification (germline): Benign/Likely benign. Review status: criteria provided, multiple submitters, no conflicts (2 of 4 stars). 10 submissions from 10 submitters: Benign (2); Likely benign (7). 1 of the submissions does not count toward it. Last evaluated 2026-03-01.

Conditions:
Cardiovascular phenotype. Identifiers: MedGen CN230736.
TNNT2-related disorder. Also called: TNNT2-related condition.
Dilated cardiomyopathy 1D. Identifiers: Orphanet 154, Orphanet 54260, MedGen C1832243, MONDO:0011095, OMIM 601494.
Cardiomyopathy, familial restrictive, 3. Identifiers: Orphanet 75249, MedGen C2676271, MONDO:0012900, OMIM 612422.
Hypertrophic cardiomyopathy 2. Also called: TNNT2-Related Familial Hypertrophic Cardiomyopathy. Identifiers: MedGen C1861864, MONDO:0007266, OMIM 115195.
Cardiomyopathy (CMYO). Also called: Cardiomyopathies. Identifiers: Orphanet 167848, MedGen C0878544, MONDO:0004994, HP:0001638. Inheritance: Various modes of inheritance.

Allele frequency attached by ClinVar (database versions not stated): gnomAD 0.00009 and 0.00010; TOPMed 0.00012; ESP Exome Variant Server 0.00015; ExAC 0.00016; gnomAD exomes 0.00017 and 0.00020.
gnomAD v4.1: 320 of 1,613,668 alleles (0.02%); highest among the groups gnomAD compares: Middle Eastern, 0.28%; 2 homozygotes.

Submissions (10):

CeGaT Center for Human Genetics Tuebingen
Classification: Likely benign. Last evaluated: 2026-03-01. Review status: criteria provided, single submitter. Criteria: CeGaT Center For Human Genetics Tuebingen Variant Classification Criteria Version 2. Collection method: clinical testing. Allele origin: germline. Affected: yes. Observed: 9 variant alleles.
Comment: TNNT2: BP4, BS1

Labcorp Genetics (formerly Invitae), Labcorp
Classification: Likely benign for Cardiomyopathy, familial restrictive, 3; Hypertrophic cardiomyopathy 2; Dilated cardiomyopathy 1D. Last evaluated: 2026-02-03. Review status: criteria provided, single submitter. Criteria: Invitae Variant Classification Sherloc (09022015). Collection method: clinical testing. Allele origin: germline.

Women's Health and Genetics/Laboratory Corporation of America, LabCorp
Classification: Likely benign. Last evaluated: 2025-04-29. Review status: criteria provided, single submitter. Criteria: LabCorp Variant Classification Summary - May 2015. Collection method: clinical testing. Allele origin: germline.
Comment: Variant summary: TNNT2 c.690-4G>T alters a non-conserved nucleotide located at a position not widely known to affect splicing. Consensus agreement among computation tools predict no significant impact on normal splicing. However, these predictions have yet to be confirmed by functional studies. The variant allele was found at a frequency of 0.00017 in 251462 control chromosomes in the gnomAD database, including 1 homozygotes. This frequency is not significantly higher than estimated for a pathogenic variant in TNNT2 causing Cardiomyopathy (0.00017 vs 0.00018), allowing no conclusion about variant significance. c.690-4G>T has been reported in the literature in individuals affected with Cardiomyopathy (Kassem_2013, Pugh_2014, Kassem_2017). These reports do not provide unequivocal conclusions about association of the variant with Cardiomyopathy. To our knowledge, no experimental evidence demonstrating an impact on protein function has been reported. The following publications have been ascertained in the context of this evaluation (PMID: 23233322, 24503780, Kassem et al). ClinVar contains an entry for this variant (Variation ID: 43664). Based on the evidence outlined above, the variant was classified as likely benign.

Blueprint Genetics
Classification: Likely benign. Last evaluated: 2024-10-10. Review status: criteria provided, single submitter. Criteria: ACMG Guidelines, 2015. Collection method: clinical testing. Allele origin: germline.

Ambry Genetics
Classification: Likely benign for Cardiovascular phenotype. Last evaluated: 2020-03-18. Review status: criteria provided, single submitter. Criteria: Ambry Variant Classification Scheme 2023. Collection method: clinical testing. Allele origin: germline.

CHEO Genetics Diagnostic Laboratory, Children's Hospital of Eastern Ontario
Classification: Benign for Cardiomyopathy. Last evaluated: 2019-06-06. Review status: criteria provided, single submitter. Criteria: ACMG Guidelines, 2015. Collection method: clinical testing. Allele origin: germline.

Color Diagnostics, LLC DBA Color Health
Classification: Likely benign for Cardiomyopathy. Last evaluated: 2018-08-25. Review status: criteria provided, single submitter. Criteria: ACMG Guidelines, 2015. Collection method: clinical testing. Allele origin: germline.

Laboratory for Molecular Medicine, Mass General Brigham Personalized Medicine
Classification: Likely benign. Last evaluated: 2015-05-07. Review status: criteria provided, single submitter. Criteria: LMM Criteria. Collection method: clinical testing. Allele origin: germline. Observed: 3 variant alleles.
Comment: c.690-4G>T in intron 13 of TNNT2: This variant is not expected to have clinical significance because it is not located within the splice consensus sequence. It has been identified in 14/66732 European chromosomes by the Exome Aggregation Co nsortium (ExAC; dbSNP rs201753429).

GeneDx
Classification: Benign. Last evaluated: 2015-03-03. Review status: criteria provided, single submitter. Criteria: GeneDx Variant Classification Process June 2021. Collection method: clinical testing. Allele origin: germline. Affected: yes.

PreventionGenetics, part of Exact Sciences
Classification: Likely benign for TNNT2-related condition. Last evaluated: 2019-02-22. Review status: no assertion criteria provided. Collection method: clinical testing. Allele origin: germline. Not counted in ClinVar's aggregate classification.
Comment: This variant is classified as likely benign based on ACMG/AMP sequence variant interpretation guidelines (Richards et al. 2015 PMID: 25741868, with internal and published modifications).

Literature cited by the submitters: PubMed 23233322 (cited by Women's Health and Genetics/Laboratory Corporation of America, LabCorp); PubMed 24503780 (cited by Women's Health and Genetics/Laboratory Corporation of America, LabCorp).